The following is an entry in ClinVar:

ClinVar aggregate classification (germline): Conflicting classifications of pathogenicity. Review status: criteria provided, conflicting classifications (1 of 4 stars). 9 submissions from 7 submitters: Uncertain significance (5); Benign (1); Likely benign (3). Last evaluated 2026-05-05.

Conditions:
COL1A1-related disorder. Also called: COL1A1- related disease; COL1A1-related condition.
Ehlers-Danlos syndrome, arthrochalasia type. Also called: EDS VII, MUTANT PROCOLLAGEN TYPE; EDS VIIA; Ehlers-Danlos syndrome, arthrochalasia type, 1; ARTHROCHALASIS MULTIPLEX CONGENITA; Ehlers-Danlos syndrome, arthrochalasis type. Identifiers: Orphanet 1899, Orphanet 99875, Orphanet 99876, MedGen C4551623, MONDO:0007525, OMIM 130060.
Cardiovascular phenotype. Identifiers: MedGen CN230736.
Infantile cortical hyperostosis. Also called: Caffey Disease; Hyperostosis, Cortical, Congenital; P1PK BLOOD GROUP SYSTEM, P(2) PHENOTYPE. Identifiers: Orphanet 1310, MedGen C0020497, MONDO:0007244, OMIM 114000.
Connective tissue disorder. Also called: Connective tissue disease. Identifiers: MedGen C0009782, MONDO:0003900.
Osteogenesis imperfecta (OI). Identifiers: Orphanet 666, MedGen C0029434, MeSH D010013, MONDO:0019019.
Osteogenesis imperfecta type I (OI1). Also called: OI, TYPE I; OSTEOGENESIS IMPERFECTA TARDA; OSTEOGENESIS IMPERFECTA WITH BLUE SCLERAE; Classic Non-deforming Osteogenesis Imperfecta with Blue Sclerae; Osteogenesis imperfecta type 1; Lobstein's Disease. Identifiers: Orphanet 216796, Orphanet 666, MedGen C0023931, MONDO:0008146, OMIM 166200. Disease mechanism: loss of function.

Allele frequency attached by ClinVar (database versions not stated): ExAC 0.00002; gnomAD 0.00005 and 0.00006; TOPMed 0.00006.
gnomAD v4.1: 51 of 1,613,868 alleles (0.0032%); highest among the groups gnomAD compares: Middle Eastern, 0.016%; no homozygotes.

Submissions (9):

Women's Health and Genetics/Laboratory Corporation of America, LabCorp
Classification: Likely benign. Last evaluated: 2026-05-05. Review status: criteria provided, single submitter. Criteria: LabCorp Variant Classification Summary - May 2015. Collection method: clinical testing. Allele origin: germline.
Comment: Variant summary: COL1A1 c.3580G>A (p.Ala1194Thr) results in a non-conservative amino acid change in the encoded protein sequence. Algorithms developed to predict the effect of missense changes on protein structure and function are either unavailable or do not agree on the potential impact of this missense change. The variant allele was found at a frequency of 3.2e-05 in 1613868 control chromosomes, predominantly at a frequency of 3.8e-05 within the Non-Finnish European subpopulation in the gnomAD database. The observed variant frequency within Non-Finnish European control individuals in the gnomAD database exceeds the estimated maximal expected allele frequency for disease-causing variants in COL1A1. To our knowledge, no occurrence of c.3580G>A in individuals affected with COL1A1-related conditions and no experimental evidence demonstrating its impact on protein function have been reported. ClinVar contains an entry for this variant (Variation ID: 547231). Based on the evidence outlined above, the variant was classified as likely benign.

PreventionGenetics, part of Exact Sciences
Classification: Uncertain significance for COL1A1-related condition. Last evaluated: 2025-09-10. Review status: criteria provided, single submitter. Criteria: ACMG Guidelines, 2015. Collection method: clinical testing. Allele origin: germline.
Comment: The COL1A1 c.3580G>A variant is predicted to result in the amino acid substitution p.Ala1194Thr. To our knowledge, this variant has not been reported in the literature. This variant is reported in 0.0080% of alleles in individuals of African descent in gnomAD. Although we suspect that this variant may be benign, at this time, the clinical significance of this variant is uncertain due to the absence of conclusive functional and genetic evidence.

Labcorp Genetics (formerly Invitae), Labcorp
Classification: Benign for Osteogenesis imperfecta type I. Last evaluated: 2025-07-02. Review status: criteria provided, single submitter. Criteria: Invitae Variant Classification Sherloc (09022015). Collection method: clinical testing. Allele origin: germline.

Ambry Genetics
Classification: Uncertain significance for Cardiovascular phenotype. Last evaluated: 2025-05-07. Review status: criteria provided, single submitter. Criteria: Ambry Variant Classification Scheme 2023. Collection method: clinical testing. Allele origin: germline.
Comment: The p.A1194T variant (also known as c.3580G>A), located in coding exon 48 of the COL1A1 gene, results from a G to A substitution at nucleotide position 3580. The alanine at codon 1194 is replaced by threonine, an amino acid with similar properties. This amino acid position is poorly conserved in available vertebrate species. In addition, the in silico prediction for this alteration is inconclusive. Based on the available evidence, the clinical significance of this variant remains unclear.

GeneDx
Classification: Uncertain significance. Last evaluated: 2019-08-12. Review status: criteria provided, single submitter. Criteria: GeneDx Variant Classification Process June 2021. Collection method: clinical testing. Allele origin: germline. Affected: yes.
Comment: Has not been previously published as pathogenic or benign to our knowledge; Reported in ClinVar (ClinVar Variant ID# 547231; Landrum et al., 2016); In silico analysis, which includes protein predictors and evolutionary conservation, supports that this variant does not alter protein structure/function; Not located in the triple helical region, where the majority of pathogenic missense variants occur (Stenson et al., 2014)

Illumina Laboratory Services, Illumina
Classification: Likely benign for Ehlers-Danlos syndrome, arthrochalasia type. Last evaluated: 2018-01-13. Review status: criteria provided, single submitter. Criteria: ICSL Variant Classification Criteria 13 December 2019. Collection method: clinical testing. Allele origin: germline.
Comment: This variant was observed in the ICSL laboratory as part of a predisposition screen in an ostensibly healthy population. It had not been previously curated by ICSL or reported in the Human Gene Mutation Database (HGMD: prior to June 1st, 2018), and was therefore a candidate for classification through an automated scoring system. Utilizing variant allele frequency, disease prevalence and penetrance estimates, and inheritance mode, an automated score was calculated to assess if this variant is too frequent to cause the disease. Based on the score and internal cut-off values, a variant classified as likely benign is not then subjected to further curation. The score for this variant resulted in a classification of likely benign for this disease.

Illumina Laboratory Services, Illumina
Classification: Uncertain significance for Infantile cortical hyperostosis. Last evaluated: 2018-01-13. Review status: criteria provided, single submitter. Criteria: ICSL Variant Classification Criteria 13 December 2019. Collection method: clinical testing. Allele origin: germline.

Illumina Laboratory Services, Illumina
Classification: Uncertain significance for Osteogenesis imperfecta. Last evaluated: 2018-01-13. Review status: criteria provided, single submitter. Criteria: ICSL Variant Classification Criteria 13 December 2019. Collection method: clinical testing. Allele origin: germline.

Center for Human Genetics, Inc
Classification: Likely benign for Connective tissue disorder. Last evaluated: 2016-11-01. Review status: criteria provided, single submitter. Criteria: ACMG Guidelines, 2015. Collection method: clinical testing. Allele origin: germline. Affected: yes.

NM_000088.4(COL1A1):c.3580G>A (p.Ala1194Thr)

Gene: COL1A1 (collagen type I alpha 1 chain; minus strand). Cytogenetic location: 17q21.33.
Variant type: single nucleotide variant.
Coding change: c.3580G>A on transcript NM_000088.4 (MANE Select); coding-DNA position 3580, G replaced by A.
Protein change: p.Ala1194Thr; replaces alanine 1194 with threonine.
Molecular consequence: missense variant.
Genome position (GRCh38, 1-based): chr17:50,186,874, C>T on the plus strand (G>A on the coding strand, the complement: COL1A1 is on the minus strand). VCF-style: chr17-50186874-C-T. GRCh37 (hg19) VCF-style: chr17-48264235-C-T.
Other names: short protein forms A1194T.
Identifiers: ClinVar variation 547231 (VCV000547231.18), dbSNP rs769571473, ClinGen allele CA8644392.